The following is an entry in ClinVar:

ClinVar aggregate classification (germline): Uncertain significance. Review status: criteria provided, multiple submitters, no conflicts (2 of 4 stars). 2 submissions from 2 submitters: Uncertain significance (2). Last evaluated 2025-05-13.

Conditions:
Hereditary pancreatitis (PCTT). Also called: Hereditary chronic pancreatitis; PRSS1-Related Hereditary Pancreatitis. Identifiers: Orphanet 676, MedGen C0238339, MONDO:0008185, OMIM 167800.

Submissions (2):

Labcorp Genetics (formerly Invitae), Labcorp
Classification: Uncertain significance for Hereditary pancreatitis. Last evaluated: 2025-05-13. Review status: criteria provided, single submitter. Criteria: Invitae Variant Classification Sherloc (09022015). Collection method: clinical testing. Allele origin: germline.
Comment: This sequence change replaces tyrosine, which is neutral and polar, with asparagine, which is neutral and polar, at codon 65 of the PRSS1 protein (p.Tyr65Asn). This variant is not present in population databases (gnomAD no frequency). This variant has not been reported in the literature in individuals affected with PRSS1-related conditions. ClinVar contains an entry for this variant (Variation ID: 3426347). Invitae Evidence Modeling of protein sequence and biophysical properties (such as structural, functional, and spatial information, amino acid conservation, physicochemical variation, residue mobility, and thermodynamic stability) indicates that this missense variant is not expected to disrupt PRSS1 protein function with a negative predictive value of 80%. In summary, the available evidence is currently insufficient to determine the role of this variant in disease. Therefore, it has been classified as a Variant of Uncertain Significance.

Ambry Genetics
Classification: Uncertain significance for Hereditary pancreatitis. Last evaluated: 2024-11-30. Review status: criteria provided, single submitter. Criteria: Ambry Variant Classification Scheme 2023. Collection method: clinical testing. Allele origin: germline.
Comment: The p.Y65N variant (also known as c.193T>A), located in coding exon 2 of the PRSS1 gene, results from a T to A substitution at nucleotide position 193. The tyrosine at codon 65 is replaced by asparagine, an amino acid with dissimilar properties. This amino acid position is conserved. In addition, this alteration is predicted to be deleterious by in silico analysis. Based on the available evidence, the clinical significance of this variant remains unclear.

NM_002769.5(PRSS1):c.193T>A (p.Tyr65Asn)

Genes: TRB (T cell receptor beta locus; plus strand), PRSS1 (serine protease 1; plus strand). Cytogenetic location: 7q34.
Variant type: single nucleotide variant.
Coding change: c.193T>A on transcript NM_002769.5 (MANE Select); coding-DNA position 193, T replaced by A.
Protein change: p.Tyr65Asn; replaces tyrosine 65 with asparagine.
Molecular consequence: missense variant. On other transcripts: non-coding transcript variant (2).
Genome position (GRCh38, 1-based): chr7:142,750,707, T>A. VCF-style: chr7-142750707-T-A. GRCh37 (hg19) VCF-style: chr7-142458558-T-A.
Other names: short protein forms Y65N.
Identifiers: ClinVar variation 3426347 (VCV003426347.2).